The following is an entry in ClinVar:

ClinVar aggregate classification (germline): Uncertain significance (1 of 4 stars; one submission).

Conditions:
Charcot-Marie-Tooth disease axonal type 2C (HMSN2C). Also called: Charcot-Marie-Tooth Disease Type 2, TRPV4-Related (CMT2C); CHARCOT-MARIE-TOOTH DISEASE, AXONAL, AUTOSOMAL DOMINANT, TYPE 2C; Charcot-Marie-Tooth Neuropathy Type 2C. Identifiers: Orphanet 99937, MedGen C1853710, MONDO:0011633, OMIM 606071.

Submission:

Centre for Mendelian Genomics, University Medical Centre Ljubljana
Classification: Uncertain significance for Charcot-Marie-Tooth disease axonal type 2C. Last evaluated: 2020-03-26. Review status: criteria provided, single submitter. Criteria: ACMG Guidelines, 2015. Collection method: clinical testing. Allele origin: unknown. Affected: yes.
Comment: This variant was classified as: Uncertain significance. The available evidence on this variant's pathogenicity is insufficient or conflicting. The following ACMG criteria were applied in classifying this variant: PM2,BP4.

NM_021625.5(TRPV4):c.-31-3C>T

Gene: TRPV4 (transient receptor potential cation channel subfamily V member 4; minus strand). Cytogenetic location: 12q24.11.
Variant type: single nucleotide variant.
Coding change: c.-31-3C>T on transcript NM_021625.5 (MANE Select); 3 bases into the intron before 31 bases upstream of the start codon, C replaced by T.
Molecular consequence: intron variant.
Genome position (GRCh38, 1-based): chr12:109,814,830, G>A on the plus strand (C>T on the coding strand, the complement: TRPV4 is on the minus strand). VCF-style: chr12-109814830-G-A. GRCh37 (hg19) VCF-style: chr12-110252635-G-A.
Identifiers: ClinVar variation 931737 (VCV000931737.3), dbSNP rs1891768935, ClinGen allele CA1139662870.
Genomic context (GRCh38, chr12:109,814,830, plus strand): 5'-GCGGGGGCCTTCGCTGGAATCCGCCATGCCTGCCCCAGGCCCGTCTGCACTGCTCAGCCT[G>A]CAAGGGAATGAAAGGGGAGTCAGGCAGAACCCGGCCAGGGGCGGGGGCTCCAGGAAGCCC-3'